The following is an entry in ClinVar:

ClinVar aggregate classification (germline): Pathogenic. Review status: criteria provided, multiple submitters, no conflicts (2 of 4 stars). 3 submissions from 3 submitters: Pathogenic (3). Last evaluated 2025-03-04.

Conditions:
Polycystic kidney disease, adult type (PKD1). Also called: POLYCYSTIC KIDNEY DISEASE, ADULT, TYPE I; Polycystic Kidney, Autosomal Dominant; POLYCYSTIC KIDNEY DISEASE 1 WITH OR WITHOUT POLYCYSTIC LIVER DISEASE; Polycystic Kidney Disease 1, Autosomal Dominant; Polycystic kidney disease 1; Polycystic kidney disease 1, severe. Identifiers: MedGen C3149841, MONDO:0008263, OMIM 173900.
PKD1-related disorder. Also called: PKD1-related condition.

Submissions (3):

Women's Health and Genetics/Laboratory Corporation of America, LabCorp
Classification: Pathogenic for Polycystic kidney disease, adult type. Last evaluated: 2025-03-04. Review status: criteria provided, single submitter. Criteria: LabCorp Variant Classification Summary - May 2015. Collection method: clinical testing. Allele origin: germline.
Comment: Variant summary: PKD1 c.1987delC (p.Gln663ArgfsX122) results in a premature termination codon, predicted to cause a truncation of the encoded protein or absence of the protein due to nonsense mediated decay, which are commonly known mechanisms for disease. The variant was absent in 198762 control chromosomes (gnomAD). c.1987delC has been reported in the literature in at least an individual affected with autosomal dominant polycystic kidney disease (example: Kimura_2023. The following publication has been ascertained in the context of this evaluation (PMID: 37509056). ClinVar contains an entry for this variant (Variation ID: 972853). Based on the evidence outlined above, the variant was classified as pathogenic.

Blueprint Genetics
Classification: Pathogenic for PKD1-related disorders. Last evaluated: 2024-09-23. Review status: criteria provided, single submitter. Criteria: ACMG Guidelines, 2015. Collection method: clinical testing. Allele origin: germline. Affected: yes. Observed: 5 variant alleles.

Molecular Genetics of Inherited Kidney Disorders Laboratory, Garvan Institute of Medical Research
Classification: Pathogenic. Last evaluated: 2019-01-01. Review status: criteria provided, single submitter. Criteria: ACMG Guidelines, 2015. Collection method: clinical testing. Allele origin: germline. Affected: yes.

Literature cited by the submitters: PubMed 37509056 (cited by Women's Health and Genetics/Laboratory Corporation of America, LabCorp).

NM_001009944.3(PKD1):c.1987del (p.Gln663fs)

Gene: PKD1 (polycystin 1, transient receptor potential channel interacting; minus strand). Cytogenetic location: 16p13.3.
Variant type: Deletion.
Coding change: c.1987del on transcript NM_001009944.3 (MANE Select); coding-DNA position 1987, one base deleted (C; older notation c.1987delC).
Protein change: p.Gln663fs; shifts the reading frame from glutamine 663.
Molecular consequence: frameshift variant.
Genome position (GRCh38, 1-based): chr16:2,115,488, G deleted on the plus strand (C on the coding strand, the reverse complement: PKD1 is on the minus strand); the first of 5 consecutive G bases (chr16:2,115,488-2,115,492); deleting any one gives the same sequence. VCF-style (leftmost placement, unchanged base first): chr16-2115487-TG-T. GRCh37 (hg19) VCF-style: chr16-2165488-TG-T.
Other names: c.1987delC (NM_001009944.3); c.1987del, p.Gln663fs (NM_000296.4); short protein forms Q663fs.
Identifiers: ClinVar variation 972853 (VCV000972853.3), dbSNP rs1238458888, ClinGen allele CA620705839.